The following is an entry in ClinVar:

NM_000360.4(TH):c.977+1del

Gene: TH (tyrosine hydroxylase; minus strand). Cytogenetic location: 11p15.5.
Variant type: Deletion.
Coding change: c.977+1del on transcript NM_000360.4 (MANE Select); the canonical splice donor site of the intron after coding-DNA position 977, one base deleted (G; older notation c.977+1delG).
Molecular consequence: splice donor variant.
Genome position (GRCh38, 1-based): chr11:2,166,632, C deleted on the plus strand (G on the coding strand, the reverse complement: TH is on the minus strand). VCF-style (leftmost placement, unchanged base first): chr11-2166631-AC-A. GRCh37 (hg19) VCF-style: chr11-2187861-AC-A.
Other names: c.1058+1del (NM_199293.3); c.1070+1del (NM_199292.3).
Identifiers: ClinVar variation 2030178 (VCV002030178.4), dbSNP rs2495802432, ClinGen allele CA2580082655.
Genomic context (GRCh38, chr11:2,166,631, plus strand): 5'-GGGCTGAGGGGCCGCCCGTCGCACCCCCCACCCTCGGGCTGGCGGCCAGGGCGCGCACTC[AC>A]GGCTCAGGGGAGTGCATGGGCGAGGACGCGTGGCGGATATACTGGGTGCACTGGAACACG-3'

ClinVar aggregate classification (germline): Likely pathogenic (1 of 4 stars; one submission).

Conditions:
TH-deficient dopa-responsive dystonia. Also called: Tyrosine Hydroxylase-Deficient Dopa-Responsive Dystonia; Segawa syndrome, autosomal recessive; DYT-TH. Identifiers: Orphanet 101150, MedGen C2673535, MONDO:0011551, OMIM 605407.

Submission:

Labcorp Genetics (formerly Invitae), Labcorp
Classification: Likely pathogenic for TH-deficient dopa-responsive dystonia. Last evaluated: 2022-09-13. Review status: criteria provided, single submitter. Criteria: Invitae Variant Classification Sherloc (09022015). Collection method: clinical testing. Allele origin: germline.
Comment: In summary, the currently available evidence indicates that the variant is pathogenic, but additional data are needed to prove that conclusively. Therefore, this variant has been classified as Likely Pathogenic. Algorithms developed to predict the effect of sequence changes on RNA splicing suggest that this variant may disrupt the consensus splice site. This variant has not been reported in the literature in individuals affected with TH-related conditions. This variant is not present in population databases (gnomAD no frequency). This sequence change affects a splice site in intron 9 of the TH gene. It is expected to disrupt RNA splicing. Variants that disrupt the donor or acceptor splice site typically lead to a loss of protein function (PMID: 16199547), and loss-of-function variants in TH are known to be pathogenic (PMID: 22264700, 24753243).

Literature cited by the submitters: PubMed 16199547; PubMed 22264700; PubMed 24753243.